The following is an entry in ClinVar:

NM_003482.4(KMT2D):c.4418G>T (p.Trp1473Leu)

Gene: KMT2D (lysine methyltransferase 2D; minus strand). Cytogenetic location: 12q13.12.
Variant type: single nucleotide variant.
Coding change: c.4418G>T on transcript NM_003482.4 (MANE Select); coding-DNA position 4418, G replaced by T.
Protein change: p.Trp1473Leu; replaces tryptophan 1473 with leucine.
Molecular consequence: missense variant.
Genome position (GRCh38, 1-based): chr12:49,046,609, C>A on the plus strand (G>T on the coding strand, the complement: KMT2D is on the minus strand). VCF-style: chr12-49046609-C-A. GRCh37 (hg19) VCF-style: chr12-49440392-C-A.
Other names: short protein forms W1473L.
Identifiers: ClinVar variation 4072295 (VCV004072295.1).
Genomic context (GRCh38, chr12:49,046,609, plus strand): 5'-TCATATCCACTTTAACATCTCAAGGCCCCAGGGCTCCACTGAAGATCCCAGTCTCCTTAC[C>A]ACTTGCACTTCCAGCCGCCCTTGGGGACGGTGAGCAGTGGGGGGTCCAGGCAGTATGTGT-3'
Protein context (NP_003473.3, residues 1463-1483): TVPKGGWKCK[Trp1473Leu]CVSCMQCGAA

ClinVar aggregate classification (germline): Uncertain significance (1 of 4 stars; one submission).

Conditions:
Kabuki syndrome 1 (KABUK1). Also called: KMT2D-Related Kabuki Syndrome. Identifiers: Orphanet 2322, MedGen CN030661, MONDO:0007843, OMIM 147920.

Submission:

3billion
Classification: Uncertain significance for Kabuki syndrome 1. Last evaluated: 2025-03-12. Review status: criteria provided, single submitter. Criteria: ACMG Guidelines, 2015. Collection method: clinical testing. Allele origin: germline. Affected: yes.
Comment: The variant is not observed in the gnomAD v4.1.0 dataset. Predicted Consequence/Location: Missense variant. In silico tool predictions suggest damaging effect of the variant on gene or gene product [REVEL: 0.60 (>=0.6, sensitivity 0.68 and specificity 0.92)]. Different missense changes at the same codon have been reported as of uncertain significance (ClinVar ID: VCV001490072). Therefore, this variant is classified as VUS according to the recommendation of ACMG/AMP guideline.